The following is an entry in ClinVar:

NM_000288.4(PEX7):c.131-1G>A

Gene: PEX7 (peroxisomal biogenesis factor 7; plus strand). Cytogenetic location: 6q23.3.
Variant type: single nucleotide variant.
Coding change: c.131-1G>A on transcript NM_000288.4 (MANE Select); the canonical splice acceptor site of the intron before coding-DNA position 131, G replaced by A.
Molecular consequence: splice acceptor variant.
Genome position (GRCh38, 1-based): chr6:136,825,213, G>A. VCF-style: chr6-136825213-G-A. GRCh37 (hg19) VCF-style: chr6-137146351-G-A.
Other names: c.17-1G>A (NM_001410945.1).
Identifiers: ClinVar variation 1067814 (VCV001067814.11), dbSNP rs2115129048, ClinGen allele CA365855572.

ClinVar aggregate classification (germline): Pathogenic/Likely pathogenic. Review status: criteria provided, multiple submitters, no conflicts (2 of 4 stars). 3 submissions from 3 submitters: Pathogenic (1); Likely pathogenic (2). Last evaluated 2024-10-22.

Conditions:
PEX7-related disorder. Also called: PEX7-related condition; PEX7-related disorders. Identifiers: MedGen CN239409.
Peroxisome biogenesis disorder 9B. Also called: PEX7-Related Refsum Disease; Refsum disease, adult, 2; PEROXISOME BIOGENESIS DISORDER, PEX7-RELATED, ATYPICAL. Identifiers: Orphanet 773, MedGen C2749346, MONDO:0013945, OMIM 614879.
Rhizomelic chondrodysplasia punctata type 1 (RCDP1). Also called: PEX7-Related Rhizomelic Chondrodysplasia Punctata; CHONDRODYSTROPHIA CALCIFICANS PUNCTATA; PEROXISOME BIOGENESIS DISORDER 9. Identifiers: Orphanet 177, Orphanet 309789, MedGen C1859133, MONDO:0008972, OMIM 215100. Disease mechanism: loss of function.

Submissions (3):

Labcorp Genetics (formerly Invitae), Labcorp
Classification: Likely pathogenic for Peroxisome biogenesis disorder 9B. Last evaluated: 2024-10-22. Review status: criteria provided, single submitter. Criteria: Invitae Variant Classification Sherloc (09022015). Collection method: clinical testing. Allele origin: germline.
Comment: This sequence change affects an acceptor splice site in intron 1 of the PEX7 gene. It is expected to disrupt RNA splicing. Variants that disrupt the donor or acceptor splice site typically lead to a loss of protein function (PMID: 16199547), and loss-of-function variants in PEX7 are known to be pathogenic (PMID: 12325024, 12522768, 20301447). This variant is not present in population databases (gnomAD no frequency). This variant has not been reported in the literature in individuals affected with PEX7-related conditions. ClinVar contains an entry for this variant (Variation ID: 1067814). Algorithms developed to predict the effect of sequence changes on RNA splicing suggest that this variant may disrupt the consensus splice site. In summary, the currently available evidence indicates that the variant is pathogenic, but additional data are needed to prove that conclusively. Therefore, this variant has been classified as Likely Pathogenic.

Blueprint Genetics
Classification: Likely pathogenic for PEX7-related disorders. Last evaluated: 2024-09-23. Review status: criteria provided, single submitter. Criteria: ACMG Guidelines, 2015. Collection method: clinical testing. Allele origin: germline. Affected: yes. Observed: 2 variant alleles.

Kariminejad - Najmabadi Pathology & Genetics Center
Classification: Pathogenic for Rhizomelic chondrodysplasia punctata type 1. Review status: criteria provided, single submitter. Criteria: ACMG Guidelines, 2015. Collection method: clinical testing. Allele origin: germline. Affected: no.

Literature cited by the submitters: PubMed 16199547 (cited by Labcorp Genetics (formerly Invitae), Labcorp); PubMed 12325024 (cited by Labcorp Genetics (formerly Invitae), Labcorp); PubMed 12522768 (cited by Labcorp Genetics (formerly Invitae), Labcorp); PubMed 20301447 (cited by Labcorp Genetics (formerly Invitae), Labcorp).